The following is an entry in ClinVar:

ClinVar aggregate classification (germline): Benign. Review status: reviewed by expert panel (3 of 4 stars). 3 submissions from 3 submitters: Benign (1). 2 of the submissions do not count toward it. Last evaluated 2015-01-12.

Conditions:
Breast-ovarian cancer, familial, susceptibility to, 1 (BROVCA1). Also called: BRCA1 Hereditary Breast and Ovarian Cancer; OVARIAN CANCER, SUSCEPTIBILITY TO. Identifiers: Orphanet 145, MedGen C2676676, MONDO:0011450, OMIM 604370. Disease mechanism: loss of function.
Hereditary cancer-predisposing syndrome. Also called: Tumor predisposition; Hereditary Cancer Syndrome; Neoplastic Syndromes, Hereditary; Hereditary neoplastic syndrome. Identifiers: Orphanet 140162, MedGen C0027672, MeSH D009386, MONDO:0015356.

Allele frequency attached by ClinVar (database versions not stated): gnomAD 0.00004 and 0.00011; TOPMed 0.00017; 1000 Genomes Project 30x 0.00141; 1000 Genomes Project 0.00160.

Submissions (3):

Evidence-based Network for the Interpretation of Germline Mutant Alleles (ENIGMA)
Classification: Benign for Breast-ovarian cancer, familial 1. Last evaluated: 2015-01-12. Review status: reviewed by expert panel. Criteria: ENIGMA BRCA1/2 Classification Criteria (2015). Collection method: curation. Allele origin: germline.
Comment: Class 1 not pathogenic based on frequency >1% in an outbred sampleset. Frequency 0.01049 (Asian), derived from 1000 genomes (2012-04-30).

GeneKor MSA
Classification: Benign. Last evaluated: 2017-11-01. Review status: criteria provided, single submitter. Criteria: ACMG Guidelines, 2015. Collection method: clinical testing. Allele origin: germline. Affected: yes. Not counted in ClinVar's aggregate classification.

University of Washington Department of Laboratory Medicine, University of Washington
Classification: Likely benign for Hereditary cancer-predisposing syndrome. Last evaluated: 2015-12-01. Review status: no assertion criteria provided. Collection method: clinical testing. Allele origin: germline. Affected: yes. Not counted in ClinVar's aggregate classification.

NM_007294.4(BRCA1):c.302-70G>A

Gene: BRCA1 (BRCA1 DNA repair associated; minus strand). Cytogenetic location: 17q21.31.
Variant type: single nucleotide variant.
Coding change: c.302-70G>A on transcript NM_007294.4 (MANE Select); 70 bases into the intron before coding-DNA position 302, G replaced by A.
Molecular consequence: intron variant.
Genome position (GRCh38, 1-based): chr17:43,104,331, C>T on the plus strand (G>A on the coding strand, the complement: BRCA1 is on the minus strand). VCF-style: chr17-43104331-C-T. GRCh37 (hg19) VCF-style: chr17-41256348-C-T.
Other names: IVS 6-70G>A; c.161-70G>A (NM_001408458.1, NM_001407931.1, NM_001407747.1 and 99 more transcripts); c.-218-9471G>A (NM_001407967.1, NM_001407966.1); c.-80-70G>A (NM_001407959.1, NM_001407962.1, NM_001408512.1 and 4 more transcripts); c.92-70G>A (NM_001407885.1, NM_001407886.1, NM_001407898.1 and 58 more transcripts); c.302-70G>A (NM_001407686.1, NM_001408397.1, NM_001407632.1 and 164 more transcripts); c.170-70G>A (NM_001408451.1); c.224-70G>A (NM_001408475.1, NM_001407875.1, NM_001407659.1 and 21 more transcripts); and 1 more.
Identifiers: ClinVar variation 209487 (VCV000209487.4), dbSNP rs147809611, ClinGen allele CA276457.
Genomic context (GRCh38, chr17:43,104,331, plus strand): 5'-ACAAGGGAAAACATTATGTTTGCAGTTAGAGAAAAATGTATGAATTATAATCAAAGAAAC[C>T]AAGAGAAACCCTATGTATGCTCTTTGTTGTGTTAAGACAATGCATTAAGGTTACCTGTGA-3'